The following is an entry in ClinVar:

ClinVar aggregate classification (germline): Uncertain significance (1 of 4 stars; one submission).

Conditions:
ALG12-congenital disorder of glycosylation (CDG1G). Also called: Congenital disorder of glycosylation, type Ig; ALG12-CDG; CDG Ig. Identifiers: Orphanet 79324, MedGen C2931001, MONDO:0011783, OMIM 607143.

Allele frequency attached by ClinVar (database versions not stated): gnomAD 0.00001 and 0.00003; TOPMed 0.00002; gnomAD exomes 0.00004 and 0.00008; ESP Exome Variant Server 0.00008; ExAC 0.00012; 1000 Genomes Project 30x 0.00016; 1000 Genomes Project 0.00020.
gnomAD v4.1: 72 of 1,613,992 alleles (0.0045%); highest among the groups gnomAD compares: South Asian, 0.053%; no homozygotes.

Submission:

Labcorp Genetics (formerly Invitae), Labcorp
Classification: Uncertain significance for ALG12-congenital disorder of glycosylation. Last evaluated: 2022-05-08. Review status: criteria provided, single submitter. Criteria: Invitae Variant Classification Sherloc (09022015). Collection method: clinical testing. Allele origin: germline.
Comment: This sequence change replaces tyrosine, which is neutral and polar, with cysteine, which is neutral and slightly polar, at codon 315 of the ALG12 protein (p.Tyr315Cys). This variant is present in population databases (rs372655623, gnomAD 0.05%). This variant has not been reported in the literature in individuals affected with ALG12-related conditions. Algorithms developed to predict the effect of missense changes on protein structure and function (SIFT, PolyPhen-2, Align-GVGD) all suggest that this variant is likely to be disruptive. In summary, the available evidence is currently insufficient to determine the role of this variant in disease. Therefore, it has been classified as a Variant of Uncertain Significance.

NM_024105.4(ALG12):c.944A>G (p.Tyr315Cys)

Gene: ALG12 (ALG12 alpha-1,6-mannosyltransferase; minus strand). Cytogenetic location: 22q13.33.
Variant type: single nucleotide variant.
Coding change: c.944A>G on transcript NM_024105.4 (MANE Select); coding-DNA position 944, A replaced by G.
Protein change: p.Tyr315Cys; replaces tyrosine 315 with cysteine.
Molecular consequence: missense variant.
Genome position (GRCh38, 1-based): chr22:49,907,769, T>C on the plus strand (A>G on the coding strand, the complement: ALG12 is on the minus strand). VCF-style: chr22-49907769-T-C. GRCh37 (hg19) VCF-style: chr22-50301417-T-C.
Other names: short protein forms Y315C.
Identifiers: ClinVar variation 1373651 (VCV001373651.3), dbSNP rs372655623, ClinGen allele CA10300397.